The following is an entry in ClinVar:

NC_000016.9:g.(139901_142593)_(150508_160522)dup

Gene: NPRL3 (NPR3 like, GATOR1 complex subunit; minus strand). Cytogenetic location: 16p13.3.
Variant type: Duplication.
Identifiers: ClinVar variation 3251295 (VCV003251295.1).

ClinVar aggregate classification (germline): Uncertain significance (1 of 4 stars; one submission).

Submission:

Women's Health and Genetics/Laboratory Corporation of America, LabCorp
Classification: Uncertain significance. Last evaluated: 2024-04-15. Review status: criteria provided, single submitter. Criteria: LabCorp Variant Classification Summary - May 2015. Collection method: clinical testing. Allele origin: germline.
Comment: Variant summary: The variant involves the duplication of exons 8-11 in the NPRL3 gene. A presumed nomenclature of c.(629+1_630-1)_(1161+1_1162-1)dup has been designated for the purposes of this classification. It is assumed to be a tandem duplication in direct orientation (PMIDs: 25640679, 30054569). This Copy Number Variant (CNV) is expected to alter the reading frame and predicted to result in a truncation or absence of the encoded protein due to nonsense mediated decay (NMD). The variant was absent in 122120 control chromosomes in the gnomAD database (Structural Variants v4.0 dataset). The available data on variant occurrences in the general population are insufficient to allow any conclusion about variant significance. To our knowledge, no occurrence of c.(629+1_630-1)_(1161+1_1162-1)dup in individuals affected with Epilepsy, Familial Focal, With Variable Foci 1 and no experimental evidence demonstrating its impact on protein function have been reported. However, a matching CNV has been observed to not segregate with the plausible phenotypic spectrum in at least one family tested at our laboratory. No submitters have cited clinical-significance assessments for this variant to ClinVar. Based on the evidence outlined above, the variant was classified as uncertain significance.